The following is an entry in ClinVar:

NM_212482.4(FN1):c.1216+4A>G

Genes: FN1 (fibronectin 1; minus strand), LOC126806498 (CDK7 strongly-dependent group 2 enhancer GRCh37_chr2:216288045-216289244; plus strand). Cytogenetic location: 2q35.
Variant type: single nucleotide variant.
Coding change: c.1216+4A>G on transcript NM_212482.4 (MANE Select); 4 bases into the intron after coding-DNA position 1216, A replaced by G.
Molecular consequence: intron variant.
Genome position (GRCh38, 1-based): chr2:215,424,142, T>C on the plus strand (A>G on the coding strand, the complement: FN1 is on the minus strand). VCF-style: chr2-215424142-T-C. GRCh37 (hg19) VCF-style: chr2-216288865-T-C.
Other names: c.1216+4A>G (NM_212474.3, NM_001306132.2, NM_001365523.2 and 14 more transcripts).
Identifiers: ClinVar variation 4727410 (VCV004727410.1).

ClinVar aggregate classification (germline): Uncertain significance (1 of 4 stars; one submission).

Submission:

Labcorp Genetics (formerly Invitae), Labcorp
Classification: Uncertain significance. Last evaluated: 2025-09-18. Review status: criteria provided, single submitter. Criteria: Invitae Variant Classification Sherloc (09022015). Collection method: clinical testing. Allele origin: germline.
Comment: This sequence change falls in intron 8 of the FN1 gene. It does not directly change the encoded amino acid sequence of the FN1 protein. It affects a nucleotide within the consensus splice site. This variant is not present in population databases (gnomAD no frequency). This variant has not been reported in the literature in individuals affected with FN1-related conditions. Variants that disrupt the consensus splice site are a relatively common cause of aberrant splicing (PMID: 17576681, 9536098). Algorithms developed to predict the effect of sequence changes on RNA splicing suggest that this variant is not likely to affect RNA splicing. In summary, the available evidence is currently insufficient to determine the role of this variant in disease. Therefore, it has been classified as a Variant of Uncertain Significance.

Literature cited by the submitters: PubMed 17576681; PubMed 9536098.